The following is an entry in ClinVar:

ClinVar aggregate classification (germline): Conflicting classifications of pathogenicity. Review status: criteria provided, conflicting classifications (1 of 4 stars). 4 submissions from 4 submitters: Likely pathogenic (3); Uncertain significance (1). Last evaluated 2026-08-31.

Conditions:
Protoporphyria, erythropoietic, 1 (EPP1). Also called: FERROCHELATASE DEFICIENCY; HEME SYNTHETASE DEFICIENCY; Erythropoietic Protoporphyria, Autosomal Recessive. Identifiers: Orphanet 79278, MedGen C4692546, MONDO:0008319, OMIM 177000.
FECH-related disorder. Also called: FECH-related condition.

Allele frequency attached by ClinVar (database versions not stated): gnomAD exomes below 0.00001 and 0.00001; ExAC 0.00001; gnomAD 0.00002; TOPMed 0.00002.
gnomAD v4.1: 5 of 1,614,072 alleles (0.00031%); highest among the groups gnomAD compares: Non-Finnish European, 0.00042%; no homozygotes.

Submissions (4):

PreventionGenetics, part of Exact Sciences
Classification: Uncertain significance for FECH-related condition. Last evaluated: 2026-08-31. Review status: criteria provided, single submitter. Criteria: ACMG Guidelines, 2015. Collection method: clinical testing. Allele origin: germline.
Comment: The FECH c.913G>T variant is predicted to result in the amino acid substitution p.Val305Phe. This variant has been reported in one patient with erythropoietic protoporphyria but pathogenicity was not confirmed (Wang et al. 1995. PubMed ID: 7541650). This variant alters the first nucleotide of exon 9 and is predicted to alter splicing based on available splicing prediction programs (SpliceAI, Jaganathan et al. 2019. PubMed ID: 30661751). Sequencing of cDNA derived from a patient suggests this variant results in exclusion of exon 9 which does not alter the reading frame (Wang et al. 1995. PubMed ID: 7541650). This variant is reported in 0.0031% of alleles in individuals of European (Non-Finnish) descent in gnomAD. Although we suspect that this variant may be pathogenic, at this time, the clinical significance of this variant is uncertain due to the absence of conclusive functional and genetic evidence.

Labcorp Genetics (formerly Invitae), Labcorp
Classification: Likely pathogenic. Last evaluated: 2025-03-18. Review status: criteria provided, single submitter. Criteria: Invitae Variant Classification Sherloc (09022015). Collection method: clinical testing. Allele origin: germline.
Comment: This sequence change replaces valine, which is neutral and non-polar, with phenylalanine, which is neutral and non-polar, at codon 305 of the FECH protein (p.Val305Phe). RNA analysis indicates that this missense change induces altered splicing and likely results in a shortened protein product. This variant is present in population databases (rs765518889, gnomAD 0.004%). This missense change has been observed in individuals with erythropoietic protoporphyria (PMID: 7541650, 23364466; internal data). ClinVar contains an entry for this variant (Variation ID: 623168). Invitae Evidence Modeling of protein sequence and biophysical properties (such as structural, functional, and spatial information, amino acid conservation, physicochemical variation, residue mobility, and thermodynamic stability) indicates that this missense variant is expected to disrupt FECH protein function with a positive predictive value of 80%. Studies have shown that this missense change results in skipping of 9, but is expected to preserve the integrity of the reading-frame (PMID: 7541650). In summary, the currently available evidence indicates that the variant is pathogenic, but additional data are needed to prove that conclusively. Therefore, this variant has been classified as Likely Pathogenic.

Mayo Clinic Laboratories, Mayo Clinic
Classification: Likely pathogenic. Last evaluated: 2024-07-02. Review status: criteria provided, single submitter. Criteria: ACMG Guidelines, 2015. Collection method: clinical testing. Allele origin: germline.
Comment: PP3, PP4, PM2_moderate, PM3

Molecular Diagnostics Laboratory, M Health Fairview: University of Minnesota
Classification: Likely pathogenic for Protoporphyria, erythropoietic, 1. Last evaluated: 2017-08-24. Review status: criteria provided, single submitter. Criteria: ACMG Guidelines, 2015. Collection method: clinical testing. Allele origin: germline. Affected: yes. Observed: 1 variant allele.

Literature cited by the submitters: PubMed 7541650 (cited by Labcorp Genetics (formerly Invitae), Labcorp and Mayo Clinic Laboratories, Mayo Clinic); PubMed 23364466 (cited by 3 submitters).

NM_000140.5(FECH):c.913G>T (p.Val305Phe)

Gene: FECH (ferrochelatase; minus strand). Cytogenetic location: 18q21.31.
Variant type: single nucleotide variant.
Coding change: c.913G>T on transcript NM_000140.5 (MANE Select); coding-DNA position 913, G replaced by T.
Protein change: p.Val305Phe; replaces valine 305 with phenylalanine.
Molecular consequence: missense variant.
Genome position (GRCh38, 1-based): chr18:57,554,424, C>A on the plus strand (G>T on the coding strand, the complement: FECH is on the minus strand). VCF-style: chr18-57554424-C-A. GRCh37 (hg19) VCF-style: chr18-55221656-C-A.
Other names: c.931G>T, p.Val311Phe (NM_001012515.4); c.814G>T, p.Val272Phe (NM_001371094.1); c.697G>T, p.Val233Phe (NM_001371095.1); c.913G>T, p.Val305Phe (NM_001374778.1); c.913G>T (NM_000140.4); short protein forms V305F, V311F, V233F, V272F.
Identifiers: ClinVar variation 623168 (VCV000623168.10), dbSNP rs765518889, ClinGen allele CA8973038.